The following is an entry in ClinVar:

ClinVar aggregate classification (germline): Pathogenic/Likely pathogenic. Review status: criteria provided, multiple submitters, no conflicts (2 of 4 stars). 8 submissions from 8 submitters: Pathogenic (3); Likely pathogenic (4). 1 of the submissions does not count toward it. Last evaluated 2026-05-13.

Conditions:
Lipoprotein glomerulopathy (LPG). Identifiers: Orphanet 329481, MedGen C2673196, MONDO:0012725, OMIM 611771.
Alzheimer disease 2 (AD2). Also called: ALZHEIMER DISEASE 2, LATE-ONSET; ALZHEIMER DISEASE ASSOCIATED WITH APOE4. Identifiers: Orphanet 1020, MedGen C1863051, MONDO:0007089, OMIM 104310.
Alzheimer disease 4 (AD4). Identifiers: Orphanet 1020, MedGen C1847200, MONDO:0011743, OMIM 606889.
Familial type 3 hyperlipoproteinemia. Also called: BROAD-BETALIPOPROTEINEMIA; Apolipoprotein e, deficiency or defect of; Dysbetalipoproteinemia due to defect in apolipoprotein e-d; Familial hyperbeta- and prebetalipoproteinemia; Familial hypercholesterolemia with hyperlipemia; Floating-betalipoproteinemia. Identifiers: Orphanet 412, MedGen C0020479, MONDO:0018473, OMIM 617347.
Sea-blue histiocyte syndrome. Also called: Sea-blue histiocytosis; SEA-BLUE HISTIOCYTE DISEASE. Identifiers: Orphanet 158029, MedGen C0036489, MONDO:0010017, OMIM 269600, HP:0001982.
Alzheimer disease 3 (AD3). Also called: ALZHEIMER DISEASE, FAMILIAL, 3. Identifiers: Orphanet 1020, MedGen C1843013, MONDO:0011913, OMIM 607822.
Age related macular degeneration 1 (ARMD1). Also called: MACULOPATHY, AGE-RELATED, 1. Identifiers: MedGen C1864205, MONDO:0011285, OMIM 603075.
Cardiovascular phenotype. Identifiers: MedGen CN230736.

Allele frequency attached by ClinVar (database versions not stated): ExAC 0.00001; gnomAD exomes below 0.00001 and 0.00001.
gnomAD v4.1: 2 of 1,613,992 alleles (0.00012%); highest among the groups gnomAD compares: East Asian, 0.0022%; no homozygotes.

Submissions (8):

Victorian Clinical Genetics Services, Murdoch Childrens Research Institute
Classification: Pathogenic for Lipoprotein glomerulopathy. Last evaluated: 2026-05-13. Review status: criteria provided, single submitter. Criteria: ACMG Guidelines, 2015. Collection method: clinical testing. Allele origin: germline. Affected: yes.
Comment: This variant is classified as Pathogenic. Evidence in support of pathogenic classification: Variant is present in gnomAD <0.01 (v4: 2 heterozygote(s), 0 homozygote(s)); This variant has strong previous evidence of pathogenicity in unrelated individuals. This variant is also known as p.R25C, p.R69C or the APOE Kyoto founder variant, most commonly reported in Chinese individuals. This variant has been classified as pathogenic by clinical laboratories in ClinVar, and is recurrent in the literature in association with lipoprotein glomerulopathy. This variant is most commonly observed as heterozygous in affected individuals; however, compound heterozygous individuals have been reported with the p.(Cys112Arg) variant (E4 allele). (PMIDs: 10432380, 18077821, 25300642, 38438730, 34513758). Additional information: Variant is predicted to result in a missense amino acid change from Arg to Cys; This variant is heterozygous; This gene is associated with both recessive and dominant disease; Alternative amino acid change(s) at the same position are present in gnomAD (highest allele count: v4: 10 heterozygote(s), 0 homozygote(s)); Missense variant with inconclusive in silico prediction and/or uninformative conservation; Gain of function and loss of function are likely mechanisms of disease in this gene and are associated with APOE-related conditions. Gain of function has been suggested as the mechanism for Alzheimer disease. Both gain of function and loss of function have been suggested as the mechanism for lipoprotein-related conditions (PMIDs: 34058468, 33679311); Inheritance information for this variant is not currently available in this individual.

GeneDx
Classification: Pathogenic. Last evaluated: 2025-04-11. Review status: criteria provided, single submitter. Criteria: GeneDx Variant Classification Process June 2021. Collection method: clinical testing. Allele origin: germline. Affected: yes.
Comment: Described as the most common variant associated with lipoprotein glomerulopathy (LPG) worldwide and likely a founder mutation originating from southwestern China (PMID: 35602473, 39779225); In vitro competition assays demonstrate that this variant leads to 10% of normal apoE binding; however, it is unclear if the human fibroblast cells used in this binding assay were patient cells (PMID: 10432380); In silico analysis indicates that this missense variant does not alter protein structure/function; Also known as R25C and APOEKyoto; This variant is associated with the following publications: (PMID: 10529625, 28508969, 30685233, 30775634, 23448537, 18077821, 23407349, 31589614, 35193676, 36370330, 35130036, 35119017, 35755072, 39993083, 35641666, 34513758, 33663537, 34746741, 39779225, 38584145, 34311745, 38327135, 39328028, 10432380, 24025644, 32441489, 35602473)

Ambry Genetics
Classification: Likely pathogenic for Cardiovascular phenotype. Last evaluated: 2024-10-31. Review status: criteria provided, single submitter. Criteria: Ambry Variant Classification Scheme 2023. Collection method: clinical testing. Allele origin: germline.
Comment: The p.R43C likely pathogenic variant (also known as c.127C>T), located in coding exon 2 of the APOE gene, results from a C to T substitution at nucleotide position 127. The arginine at codon 43 is replaced by cysteine, an amino acid with highly dissimilar properties. This variant (also referred to as p.R25C, p.R69C, and APOE Kyoto) has been detected in numerous individuals, frequently of Asian ancestry, with features consistent with APOE-related lipoprotein glomerulopathy (LPG). However, this variant has also been detected in multiple unaffected individuals (Matsunaga A et al. Kidney Int, 1999 Aug;56:421-7; Wu Y et al. BMC Nephrol, 2013 Feb;14:53; Rovin BH et al. N Engl J Med, 2007 Dec;357:2522-4; Li W et al. Kidney Blood Press Res, 2014 Oct;39:330-9; Hu Z et al. Kidney Int, 2014 Feb;85:416-24; Usui R et al. CEN Case Rep, 2016 Nov;5:148-153; Katsarou M et al. J Lipid Res, 2018 Dec;59:2339-2348; Lui DTW et al. J Clin Lipidol, 2019 Dec;13:251-253; Yang M et al. Mol Genet Genomic Med, 2020 Aug;8:e1281; Song Y et al. Front Pediatr, 2021 Aug;9:684814; Zhu X et al. Front Med (Lausanne), 2022 Jul;9:885178; Wang R et al. J Med Case Rep, 2022 Feb;16:78; Qin Y et al. Ren Fail, 2024 Dec;46:2332491). This amino acid position is poorly conserved in available vertebrate species. In addition, the in silico prediction for this alteration is inconclusive. This variant is considered to be rare based on population cohorts in the Genome Aggregation Database (gnomAD). Based on the majority of available evidence to date, this variant is likely to be pathogenic; however, it may exhibit reduced penetrance.

Fulgent Genetics
Classification: Likely pathogenic for Alzheimer disease 2; Sea-blue histiocyte syndrome; Age related macular degeneration 1; Alzheimer disease 4; Alzheimer disease 3; Lipoprotein glomerulopathy; Familial type 3 hyperlipoproteinemia. Last evaluated: 2022-02-24. Review status: criteria provided, single submitter. Criteria: ACMG Guidelines, 2015. Collection method: clinical testing. Allele origin: unknown.

3billion
Classification: Pathogenic for Lipoprotein glomerulopathy. Review status: criteria provided, single submitter. Criteria: ACMG Guidelines, 2015. Collection method: clinical testing. Allele origin: unknown. Affected: yes. Observed: 1 heterozygote.
Comment: The variant is observed at an extremely low frequency in the gnomAD v2.1.1 dataset (total allele frequency: <0.001%). Missense changes are a common disease-causing mechanism. Functional studies provide moderate evidence of the variant having a damaging effect on the gene or gene product (PMID: 10432380). In silico tool predictions suggest damaging effect of the variant on gene or gene product (REVEL: 0.60; 3Cnet: 0.07). Same nucleotide change resulting in same amino acid change has been previously reported as pathogenic/likely pathogenic with strong evidence (ClinVar ID: VCV000017880 / PMID: 10529625). Therefore, this variant is classified as Pathogenic according to the recommendation of ACMG/AMP guideline.

Juno Genomics, Hangzhou Juno Genomics, Inc
Classification: Likely pathogenic for Lipoprotein glomerulopathy. Review status: criteria provided, single submitter. Criteria: ACMG Guidelines, 2015. Collection method: clinical testing. Allele origin: germline.
Comment: The prevalence of the variant in affected individuals is significantly increased compared to the prevalence in controls.;Patient's phenotype or family history is highly specific for a disease with a single genetic etiology.;Well-established in vitro or in vivo functional studies supportive of a damaging effect on the gene or gene product.

Precision Medicine Center, Zhengzhou University
Classification: Likely pathogenic for Lipoprotein glomerulopathy. Review status: criteria provided, single submitter. Criteria: ACMG Guidelines, 2015. Collection method: research. Allele origin: germline. Affected: yes.
Comment: PM2:at extremely low frequency in gnomAD PP2:Missense variant in a gene that has a low rate of benign missense variation and in which missense variants are a common mechanism of disease PP3:Multiple lines of computational evidence support a deleterious effect on the gene or gene product PP4:Patient's phenotype is highly specific for a disease

OMIM
Classification: Pathogenic for LIPOPROTEIN GLOMERULOPATHY. Last evaluated: 2007-12-13. Review status: no assertion criteria provided. Collection method: literature only. Allele origin: germline. Not counted in ClinVar's aggregate classification.

Literature cited by the submitters: PubMed 10432380 (cited by 4 submitters); PubMed 25300642 (cited by Victorian Clinical Genetics Services, Murdoch Childrens Research Institute and Ambry Genetics); PubMed 18077821 (cited by 3 submitters); PubMed 38438730 (cited by Victorian Clinical Genetics Services, Murdoch Childrens Research Institute); PubMed 34058468 (cited by Victorian Clinical Genetics Services, Murdoch Childrens Research Institute); PubMed 33679311 (cited by Victorian Clinical Genetics Services, Murdoch Childrens Research Institute); PubMed 34513758 (cited by Victorian Clinical Genetics Services, Murdoch Childrens Research Institute and Ambry Genetics); PubMed 23448537 (cited by Ambry Genetics); PubMed 24025644 (cited by Ambry Genetics); PubMed 28508969 (cited by Ambry Genetics); PubMed 30309894 (cited by Ambry Genetics); PubMed 30685233 (cited by Ambry Genetics); PubMed 32441489 (cited by Ambry Genetics); PubMed 35193676 (cited by Ambry Genetics); PubMed 35755072 (cited by Ambry Genetics); PubMed 38584145 (cited by Ambry Genetics); PubMed 10529625 (cited by 3billion).

NM_000041.4(APOE):c.127C>T (p.Arg43Cys)

Gene: APOE (apolipoprotein E; plus strand). Cytogenetic location: 19q13.32.
Variant type: single nucleotide variant.
Coding change: c.127C>T on transcript NM_000041.4 (MANE Select); coding-DNA position 127, C replaced by T.
Protein change: p.Arg43Cys; replaces arginine 43 with cysteine.
Molecular consequence: missense variant.
Genome position (GRCh38, 1-based): chr19:44,907,843, C>T. VCF-style: chr19-44907843-C-T. GRCh37 (hg19) VCF-style: chr19-45411100-C-T.
Other names: R25C; c.205C>T, p.Arg69Cys (NM_001302688.2); c.127C>T, p.Arg43Cys (NM_001302689.2, NM_001302690.2, NM_001302691.2); c.127C>T (NM_000041.2, NM_000041.3); short protein forms R43C, R69C.
Identifiers: ClinVar variation 17880 (VCV000017880.9), dbSNP rs121918399, ClinGen allele CA127525.
Genomic context (GRCh38, chr19:44,907,843, plus strand): 5'-GCGGTGGAGACAGAGCCGGAGCCCGAGCTGCGCCAGCAGACCGAGTGGCAGAGCGGCCAG[C>T]GCTGGGAACTGGCACTGGGTCGCTTTTGGGATTACCTGCGCTGGGTGCAGACACTGTCTG-3'
Protein context (NP_000032.1, residues 33-53): RQQTEWQSGQ[Arg43Cys]WELALGRFWD